The following is an entry in ClinVar:

ClinVar aggregate classification (germline): Conflicting classifications of pathogenicity. Review status: criteria provided, conflicting classifications (1 of 4 stars). 4 submissions from 4 submitters: Uncertain significance (1); Likely benign (3). Last evaluated 2025-03-16.

Conditions:
Familial thoracic aortic aneurysm and aortic dissection (TAAD). Also called: Thoracic aortic aneurysms and dissections. Identifiers: Orphanet 91387, MedGen C4707243, MONDO:0019625.
Ehlers-Danlos syndrome, type 4 (EDSVASC). Also called: Ehlers-Danlos Syndrome Type IV; Ehlers-Danlos syndrome vascular type; Ehlers Danlos syndrome, ecchymotic type; Ehlers Danlos syndrome, arterial type; Ehlers Danlos syndrome, Sack-Barabas type. Identifiers: Orphanet 286, MedGen C0268338, MONDO:0017314, OMIM 130050.

Allele frequency attached by ClinVar (database versions not stated): TOPMed 0.00001; ESP Exome Variant Server 0.00008.
gnomAD v4.1: 5 of 1,612,614 alleles (0.00031%); highest among the groups gnomAD compares: Admixed American, 0.005%; no homozygotes.

Submissions (4):

Labcorp Genetics (formerly Invitae), Labcorp
Classification: Likely benign for Ehlers-Danlos syndrome, type 4. Last evaluated: 2025-03-16. Review status: criteria provided, single submitter. Criteria: Invitae Variant Classification Sherloc (09022015). Collection method: clinical testing. Allele origin: germline.

All of Us Research Program, National Institutes of Health
Classification: Likely benign for Ehlers-Danlos syndrome, type 4. Last evaluated: 2023-11-28. Review status: criteria provided, single submitter. Criteria: ACMG Guidelines, 2015. Collection method: clinical testing. Allele origin: germline. Inheritance: Autosomal dominant inheritance. Observed: 1 variant allele, 1 heterozygote.
Comment: This study involves interpretation of variants in research participants for the purpose of population health screening. Participant phenotype was not available at the time of variant classification. Additional details can be found in publication PMID: 35346344, PMCID: PMC8962531

Revvity Omics, Revvity
Classification: Uncertain significance. Last evaluated: 2021-01-18. Review status: criteria provided, single submitter. Criteria: ACMG Guidelines, 2015. Collection method: clinical testing. Allele origin: germline.

Color Diagnostics, LLC DBA Color Health
Classification: Likely benign for Familial thoracic aortic aneurysm and aortic dissection. Last evaluated: 2019-11-15. Review status: criteria provided, single submitter. Criteria: ACMG Guidelines, 2015. Collection method: clinical testing. Allele origin: germline.

NM_000090.4(COL3A1):c.507C>G (p.Leu169=)

Gene: COL3A1 (collagen type III alpha 1 chain; plus strand). Cytogenetic location: 2q32.2.
Variant type: single nucleotide variant.
Coding change: c.507C>G on transcript NM_000090.4 (MANE Select); coding-DNA position 507, C replaced by G.
Protein change: p.Leu169=; no amino-acid change (leucine 169 retained).
Molecular consequence: synonymous variant.
Genome position (GRCh38, 1-based): chr2:188,987,118, C>G. VCF-style: chr2-188987118-C-G. GRCh37 (hg19) VCF-style: chr2-189851844-C-G.
Identifiers: ClinVar variation 919453 (VCV000919453.10), dbSNP rs142437505, ClinGen allele CA076646.
Genomic context (GRCh38, chr2:188,987,118, plus strand): 5'-GAACTATTCTCCCCAGTATGATTCATATGATGTCAAGTCTGGAGTAGCAGTAGGAGGACT[C>G]GCAGGCTATCCTGGACCAGCTGTACGTACAAATGTTTCTCAGCATTTTGGAGCTTTATTA-3'
Protein context (NP_000081.2, residues 159-179): DVKSGVAVGG[Leu169=]AGYPGPAGPP